The following is an entry in ClinVar:

ClinVar aggregate classification (germline): Likely benign (1 of 4 stars; one submission).

Allele frequency attached by ClinVar (database versions not stated): ExAC 0.00001; gnomAD 0.00001; gnomAD exomes 0.00001; TOPMed 0.00001; ESP Exome Variant Server 0.00008.
gnomAD v4.1: 10 of 1,614,000 alleles (0.00062%); highest among the groups gnomAD compares: African/African-American, 0.012%; no homozygotes.

Submission:

CeGaT Center for Human Genetics Tuebingen
Classification: Likely benign. Last evaluated: 2023-04-01. Review status: criteria provided, single submitter. Criteria: CeGaT Center For Human Genetics Tuebingen Variant Classification Criteria Version 2. Collection method: clinical testing. Allele origin: germline. Affected: yes. Observed: 1 variant allele.
Comment: ACTR1B: BP4, BP7

NM_005735.4(ACTR1B):c.504G>A (p.Val168=)

Gene: ACTR1B (actin related protein 1B; minus strand). Cytogenetic location: 2q11.2.
Variant type: single nucleotide variant.
Coding change: c.504G>A on transcript NM_005735.4 (MANE Select); coding-DNA position 504, G replaced by A.
Protein change: p.Val168=; no amino-acid change (valine 168 retained).
Molecular consequence: synonymous variant.
Genome position (GRCh38, 1-based): chr2:97,658,580, C>T on the plus strand (G>A on the coding strand, the complement: ACTR1B is on the minus strand). VCF-style: chr2-97658580-C-T. GRCh37 (hg19) VCF-style: chr2-98275043-C-T.
Identifiers: ClinVar variation 2651170 (VCV002651170.24), dbSNP rs376624854, ClinGen allele CA1789773.